The following continues an entry in ClinVar:

NM_001009944.3(PKD1):c.8293C>T (p.Arg2765Cys)

Gene: PKD1. ClinVar aggregate classification (germline): Conflicting classifications of pathogenicity. Uncertain significance (4); Benign (2); Likely benign (4).

Submissions 10 to 14 of 14:

ARUP Laboratories, Molecular Genetics and Genomics, ARUP Laboratories
Classification: Uncertain significance for Polycystic kidney disease, adult type. Last evaluated: 2018-09-22. Review status: criteria provided, single submitter. Criteria: ARUP Molecular Germline Variant Investigation Process. Collection method: clinical testing. Allele origin: germline.
Comment: The PKD1 c.8293C>T; p.Arg2765Cys variant (rs144979397) is reported in the literature in the compound heterozygous state with a truncating PKD1 variant on the opposite chromosome in multiple individuals with autosomal polycystic kidney disease, or in the heterozygous state in fetuses affected with in-utero polycystic kidney disease, suggesting that this is a hypomorphic allele (McCluskey 2002, Rossetti 2001, Rossetti 2009, Rossetti 2012). This variant is listed in ClinVar (Variation ID: 183257), and is found in the general population with an allele frequency of 0.47% (1299/278,546 alleles, including 9 homozygotes) in the Genome Aggregation Database. The arginine at residue 2765 is moderately conserved, and computational algorithms (PolyPhen-2, SIFT) predict that the variant is deleterious. Due to the conflicting information regarding this variant, its clinical significance could not be determined with certainty. References: McCluskey M et al. Mutation detection in the duplicated region of the polycystic kidney disease 1 (PKD1) gene in PKD1-linked Australian families. Hum Mutat. 2002; 19(3):240-50. Rossetti S et al. Mutation analysis of the entire PKD1 gene: genetic and diagnostic implications. Am J Hum Genet. 2001; 68(1):46-63. Rossetti S et al. Incompletely penetrant PKD1 alleles suggest a role for gene dosage in cyst initiation in polycystic kidney disease. Kidney Int. 2009; 75(8):848-55. Rossetti S et al. Identification of gene mutations in autosomal dominant polycystic kidney disease through targeted resequencing. J Am Soc Nephrol. 2012 May;23(5):915-33.

Bioscientia Institut fuer Medizinische Diagnostik GmbH, Sonic Healthcare
Classification: Likely pathogenic for Polycystic kidney disease, adult type. Last evaluated: 2019-11-26. Review status: no assertion criteria provided. Collection method: clinical testing. Allele origin: germline. Affected: yes. Not counted in ClinVar's aggregate classification.

Clinical Genetics DNA and cytogenetics Diagnostics Lab, Erasmus MC, Erasmus Medical Center
Classification: Likely benign. Review status: no assertion criteria provided. Collection method: clinical testing. Allele origin: germline. Affected: yes. Study: VKGL Data-share Consensus. Not counted in ClinVar's aggregate classification.

Department of Pathology and Laboratory Medicine, Sinai Health System
Classification: Likely pathogenic for Polycystic Kidney disease. Review status: no assertion criteria provided. Collection method: clinical testing. Allele origin: unknown. Affected: yes. Study: The Canadian Open Genetics Repository (COGR). Not counted in ClinVar's aggregate classification.
Comment: The PKD1 p.Arg2765Cys variant was identified in 16 of 1980 proband chromosomes (frequency: 0.008) from individuals or families with Autosomal Dominant PKD (Borras 2017, Carrera 2016, Cnossen 2016, McCluskey 2002, Rossetti 2001, Rossetti 2012). The variant was also identified in dbSNP (ID: rs144979397) as â€šÃ„ÃºWith Uncertain significance alleleâ€šÃ„Ã¹, in ClinVar (classified as uncertain significance by ARUP, and classification not provided by Radboud University Medical Center), LOVD 3.0, ADPKD Mutation Database (classified as likely hypomorphic), and PKD1-LOVD (1x co-occurring with PKD2 variant IVS4+1G>A, PKD1 c.10043G>A). The variant was also identified by our laboratory in 6 individuals with PKD. Our laboratory found the variant co-occuring with a pathogenic PKD1 variant (p.Arg2402*), and the variant was also reported in the literature as co-occurring with 4 more pathogenic PKD1 and PKD2 variants (Borras 2017, Carrera 2016, Rossetti 2012). Rossetti (2012) studied one patient diagnosed in childhood who was found to be a compound heterozygote for the PKD1 variants p.Arg2765Cys and p.Arg3105Trp. In their study, the pattern of inheritance suggested that both incompletely penetrant variants are required for polycystic kidney disease development and that a single variant can be associated with rare cyst development (Rossetti 2012). The variant was reported as hypomorphic in several papers (Cnossen 2016, Rossetti 2009 and Rossetti 2012). However, Tan (2014) and McCluskey (2002) classified the variant as probably neutral. The variant was identified in control databases in 1251 of 274850 chromosomes (8 homozygous) at a frequency of 0.005 increasing the likelihood this could be a low frequency benign variant (Genome Aggregation Database Feb 27, 2017). The variant was observed in the following populations: African in 37 of 23696 chromosomes (freq: 0.001561), Other in 16 of 6408 chromosomes (freq: 0.002497), Latino in 71 of 34396 chromosomes (freq: 0.002064), European (Non-Finnish) in 1053 of 124928 chromosomes (freq: 0.008429), Ashkenazi Jewish in 11 of 10076 chromosomes (freq: 0.001092), Finnish in 57 of 25744 chromosomes (freq: 0.002214), and South Asian in 6 of 30770 chromosomes (freq: 0.000195), while the variant was not observed in the East Asian population. In addition we cannot be certain that data from control databases is specific to PKD1 and not from one of the six PKD1 pseudogenes. Although the p.Arg2765 residue is not conserved in mammals and other organisms, computational analyses (PolyPhen-2, SIFT, AlignGVGD, BLOSUM, MutationTaster) suggest that the Cysteine variant may impact the protein. The variant occurs outside of the splicing consensus sequence and in silico or computational prediction software programs (SpliceSiteFinder, MaxEntScan, NNSPLICE, GeneSplicer) do not predict a difference in splicing. In summary, based on the above information the clinical significance of this variant cannot be determined with certainty at this time although we would lean towards a more pathogenic role for this variant. In isolation this variant is unlikely to cause disease however with another hypomorphic variant or a pathogenic variant in PKD1 the c.8293C>T variant is likely to influence disease progression. This variant is classified as likely pathogenic (hypomorphic).

Laboratory of Gastroenterology and Hepatology, Radboud University Medical Center
No classification provided. Condition: Polycystic kidney disease, adult type. Review status: no classification provided. Collection method: not provided. Allele origin: germline. Not counted in ClinVar's aggregate classification.

Literature cited by the submitters: PubMed 29801666 (cited by Women's Health and Genetics/Laboratory Corporation of America, LabCorp and Athena Diagnostics); PubMed 34890546 (cited by Women's Health and Genetics/Laboratory Corporation of America, LabCorp); PubMed 27499327 (cited by 3 submitters); PubMed 33639313 (cited by Women's Health and Genetics/Laboratory Corporation of America, LabCorp and Victorian Clinical Genetics Services, Murdoch Childrens Research Institute); PubMed 19165178 (cited by 3 submitters); PubMed 33226606 (cited by Women's Health and Genetics/Laboratory Corporation of America, LabCorp and Victorian Clinical Genetics Services, Murdoch Childrens Research Institute); PubMed 36938073 (cited by Women's Health and Genetics/Laboratory Corporation of America, LabCorp); PubMed 32398770 (cited by Women's Health and Genetics/Laboratory Corporation of America, LabCorp); PubMed 25920554 (cited by Women's Health and Genetics/Laboratory Corporation of America, LabCorp and Athena Diagnostics); PubMed 40428294 (cited by Women's Health and Genetics/Laboratory Corporation of America, LabCorp); PubMed 11115377 (cited by Ambry Genetics and Athena Diagnostics); PubMed 11857740 (cited by Ambry Genetics and Athena Diagnostics); PubMed 22383692 (cited by Ambry Genetics and Athena Diagnostics); PubMed 24374109 (cited by Ambry Genetics and Athena Diagnostics); PubMed 24907393 (cited by Ambry Genetics); PubMed 26632257 (cited by Victorian Clinical Genetics Services, Murdoch Childrens Research Institute); PubMed 31514750 (cited by Victorian Clinical Genetics Services, Murdoch Childrens Research Institute); PubMed 31740684 (cited by Victorian Clinical Genetics Services, Murdoch Childrens Research Institute); PubMed 26139440 (cited by Athena Diagnostics); PubMed 28378423 (cited by Athena Diagnostics); PubMed 25646624 (cited by Athena Diagnostics).